The following is an entry in ClinVar:

ClinVar aggregate classification (germline): Pathogenic (1 of 4 stars; one submission).

Conditions:
Hereditary cancer-predisposing syndrome. Also called: Tumor predisposition; Hereditary Cancer Syndrome; Neoplastic Syndromes, Hereditary; Hereditary neoplastic syndrome. Identifiers: Orphanet 140162, MedGen C0027672, MeSH D009386, MONDO:0015356.

Submission:

Color Diagnostics, LLC DBA Color Health
Classification: Pathogenic for Hereditary cancer-predisposing syndrome. Last evaluated: 2025-06-10. Review status: criteria provided, single submitter. Criteria: ACMG Guidelines, 2015. Collection method: clinical testing. Allele origin: germline.
Comment: This variant inserts 1 nucleotide in exon 4 of the MSH6 gene, creating a frameshift and premature translation stop signal. This variant is expected to result in an absent or non-functional protein product. This variant has not been identified in the general population by the Genome Aggregation Database (gnomAD). Loss of MSH6 function is a known mechanism of disease. Based on the available evidence, this variant is classified as Pathogenic.

NM_000179.3(MSH6):c.2246dup (p.Thr750fs)

Gene: MSH6 (mutS homolog 6; plus strand). Cytogenetic location: 2p16.3.
Variant type: Duplication.
Coding change: c.2246dup on transcript NM_000179.3 (MANE Select); coding-DNA position 2246, one base duplicated (G; older notation c.2246dupG).
Protein change: p.Thr750fs; shifts the reading frame from threonine 750.
Molecular consequence: frameshift variant. On other transcripts: non-coding transcript variant (5), intron variant (2).
Genome position (GRCh38, 1-based): chr2:47,800,229, G duplicated; the last of 2 consecutive G bases (chr2:47,800,228-47,800,229); duplicating either gives the same sequence. VCF-style (leftmost placement, unchanged base first): chr2-47800227-T-TG. GRCh37 (hg19) VCF-style: chr2-48027366-T-TG.
Other names: c.1856dup, p.Thr620fs (NM_001281492.2); c.1340dup, p.Thr448fs (NM_001281493.2, NM_001281494.2, NM_001406811.1 and 6 more transcripts); c.2342dup, p.Thr782fs (NM_001406795.1, NM_001406802.1); c.2246dup, p.Thr750fs (NM_001406796.1, NM_001406798.1, NM_001406800.1 and 3 more transcripts); c.1949dup, p.Thr651fs (NM_001406797.1, NM_001406801.1, NM_001406805.1 and 10 more transcripts); c.1721dup, p.Thr575fs (NM_001406799.1, NM_001406806.1, NM_001406807.1); c.2168dup, p.Thr724fs (NM_001406804.1); c.2252dup, p.Thr752fs (NM_001406813.1); and 3 more; short protein forms T448fs, T575fs, T620fs, T651fs, T694fs, T724fs, T750fs, T752fs.
Identifiers: ClinVar variation 4757345 (VCV004757345.1).
Genomic context (GRCh38, chr2:47,800,227, plus strand): 5'-AGCCTATCAACGAATGGTGCTAGATGCAGTGACATTAAACAACTTGGAGATTTTTCTGAA[T>TG]GGAACAAATGGTTCTACTGAAGGAACCCTACTAGAGAGGGTTGATACTTGCCATACTCCT-3'